The following is an entry in ClinVar:

ClinVar aggregate classification (germline): Uncertain significance (1 of 4 stars; one submission).

Conditions:
Developmental and epileptic encephalopathy 94 (DEE94). Also called: CHD2-Related Neurodevelopmental Disorders; Epileptic encephalopathy, childhood-onset. Identifiers: Orphanet 1942, Orphanet 2382, MedGen C3809278, MONDO:0014150, OMIM 615369.

Submission:

Labcorp Genetics (formerly Invitae), Labcorp
Classification: Uncertain significance for Developmental and epileptic encephalopathy 94. Last evaluated: 2023-11-20. Review status: criteria provided, single submitter. Criteria: Invitae Variant Classification Sherloc (09022015). Collection method: clinical testing. Allele origin: germline.
Comment: This sequence change replaces glycine, which is neutral and non-polar, with glutamic acid, which is acidic and polar, at codon 131 of the CHD2 protein (p.Gly131Glu). This variant is not present in population databases (gnomAD no frequency). This variant has not been reported in the literature in individuals affected with CHD2-related conditions. Advanced modeling of protein sequence and biophysical properties (such as structural, functional, and spatial information, amino acid conservation, physicochemical variation, residue mobility, and thermodynamic stability) performed at Invitae indicates that this missense variant is not expected to disrupt CHD2 protein function with a negative predictive value of 95%. In summary, the available evidence is currently insufficient to determine the role of this variant in disease. Therefore, it has been classified as a Variant of Uncertain Significance.

NM_001271.4(CHD2):c.392G>A (p.Gly131Glu)

Gene: CHD2 (chromodomain helicase DNA binding protein 2; plus strand). Cytogenetic location: 15q26.1.
Variant type: single nucleotide variant.
Coding change: c.392G>A on transcript NM_001271.4 (MANE Select); coding-DNA position 392, G replaced by A.
Protein change: p.Gly131Glu; replaces glycine 131 with glutamic acid.
Molecular consequence: missense variant.
Genome position (GRCh38, 1-based): chr15:92,929,040, G>A. VCF-style: chr15-92929040-G-A. GRCh37 (hg19) VCF-style: chr15-93472270-G-A.
Other names: c.392G>A, p.Gly131Glu (NM_001042572.3); short protein forms G131E.
Identifiers: ClinVar variation 2766563 (VCV002766563.3), dbSNP rs2505399092, ClinGen allele CA393897379.